The following is an entry in ClinVar:

NM_001139.3(ALOX12B):c.650+7C>G

Gene: ALOX12B (arachidonate 12-lipoxygenase, 12R type; minus strand). Cytogenetic location: 17p13.1.
Variant type: single nucleotide variant.
Coding change: c.650+7C>G on transcript NM_001139.3 (MANE Select); 7 bases into the intron after coding-DNA position 650, C replaced by G.
Molecular consequence: intron variant.
Genome position (GRCh38, 1-based): chr17:8,080,651, G>C on the plus strand (C>G on the coding strand, the complement: ALOX12B is on the minus strand). VCF-style: chr17-8080651-G-C. GRCh37 (hg19) VCF-style: chr17-7983969-G-C.
Other names: c.650+7C>G (LRG_1264t1).
Identifiers: ClinVar variation 257554 (VCV000257554.17), dbSNP rs2304908, ClinGen allele CA8367598.

ClinVar aggregate classification (germline): Benign. Review status: criteria provided, multiple submitters, no conflicts (2 of 4 stars). 5 submissions from 5 submitters: Benign (5). Last evaluated 2026-02-04.

Conditions:
Autosomal recessive congenital ichthyosis 2 (ARCI2). Identifiers: Orphanet 281122, Orphanet 79394, MedGen C3888093, MONDO:0009439, OMIM 242100.

Allele frequency attached by ClinVar (database versions not stated): ESP Exome Variant Server 0.40935; gnomAD 0.41664 and 0.42027; 1000 Genomes Project 0.45447; 1000 Genomes Project 30x 0.45831; gnomAD exomes 0.34332 and 0.38030; TOPMed 0.42857; ExAC 0.37597.
gnomAD v4.1: 565,754 of 1,613,600 alleles (35%); highest among the groups gnomAD compares: African/African-American, 60%; 103,332 homozygotes.

Submissions (5):

Labcorp Genetics (formerly Invitae), Labcorp
Classification: Benign. Last evaluated: 2026-02-04. Review status: criteria provided, single submitter. Criteria: Invitae Variant Classification Sherloc (09022015). Collection method: clinical testing. Allele origin: germline.

Illumina Laboratory Services, Illumina
Classification: Benign for Autosomal recessive congenital ichthyosis 2. Last evaluated: 2018-01-13. Review status: criteria provided, single submitter. Criteria: ICSL Variant Classification Criteria 13 December 2019. Collection method: clinical testing. Allele origin: germline.
Comment: This variant was observed in the ICSL laboratory as part of a predisposition screen in an ostensibly healthy population. It had not been previously curated by ICSL or reported in the Human Gene Mutation Database (HGMD: prior to June 1st, 2018), and was therefore a candidate for classification through an automated scoring system. Utilizing variant allele frequency, disease prevalence and penetrance estimates, and inheritance mode, an automated score was calculated to assess if this variant is too frequent to cause the disease. Based on the score and internal cut-off values, a variant classified as benign is not then subjected to further curation. The score for this variant resulted in a classification of benign for this disease.

GeneDx
Classification: Benign. Last evaluated: 2015-03-03. Review status: criteria provided, single submitter. Criteria: GeneDx Variant Classification Process June 2021. Collection method: clinical testing. Allele origin: germline. Affected: yes.

Breakthrough Genomics
Classification: Benign. Review status: criteria provided, single submitter. Criteria: ACMG Guidelines, 2015. Collection method: not provided. Allele origin: germline. Inheritance: Autosomal recessive inheritance. Affected: yes.

PreventionGenetics, part of Exact Sciences
Classification: Benign. Review status: criteria provided, single submitter. Criteria: ACMG Guidelines, 2015. Collection method: clinical testing. Allele origin: germline.